The following is an entry in ClinVar:

NM_201384.3(PLEC):c.9395G>A (p.Arg3132His)

Gene: PLEC (plectin; minus strand). Cytogenetic location: 8q24.3.
Variant type: single nucleotide variant.
Coding change: c.9395G>A on transcript NM_201384.3 (MANE Select); coding-DNA position 9395, G replaced by A.
Protein change: p.Arg3132His; replaces arginine 3132 with histidine.
Molecular consequence: missense variant.
Genome position (GRCh38, 1-based): chr8:143,920,426, C>T on the plus strand (G>A on the coding strand, the complement: PLEC is on the minus strand). VCF-style: chr8-143920426-C-T. GRCh37 (hg19) VCF-style: chr8-144994594-C-T.
Other names: c.9476G>A, p.Arg3159His (NM_000445.5); c.6095G>A, p.Arg2032His (NM_001410941.1); c.9353G>A, p.Arg3118His (NM_201378.4); c.9329G>A, p.Arg3110His (NM_201379.3); c.9806G>A, p.Arg3269His (NM_201380.4); c.9299G>A, p.Arg3100His (NM_201381.3); c.9395G>A, p.Arg3132His (NM_201382.4); c.9407G>A, p.Arg3136His (NM_201383.3); short protein forms R2032H, R3132H, R3269H, R3100H, R3136H, R3159H, R3110H, R3118H.
Identifiers: ClinVar variation 2065957 (VCV002065957.4), dbSNP rs375527116, ClinGen allele CA4924984.

ClinVar aggregate classification (germline): Uncertain significance (1 of 4 stars; one submission).

Conditions:
Epidermolysis bullosa simplex 5B, with muscular dystrophy (EBS5B). Also called: EPIDERMOLYSIS BULLOSA SIMPLEX AND LIMB-GIRDLE MUSCULAR DYSTROPHY; Epidermolysis bullosa simplex with muscular dystrophy. Identifiers: Orphanet 257, MedGen C2931072, MONDO:0009181, OMIM 226670.
Epidermolysis bullosa simplex 5C, with pyloric atresia (EBS5C). Also called: Epidermolysis bullosa simplex with pyloric atresia; PLEC-Related Epidermolysis Bullosa with Pyloric Atresia; PLEC1-Related Epidermolysis Bullosa with Pyloric Atresia. Identifiers: Orphanet 158684, MedGen C2677349, MONDO:0012807, OMIM 612138.
Epidermolysis bullosa simplex with nail dystrophy (EBS5D). Identifiers: MedGen C4225309, MONDO:0014661, OMIM 616487.
Autosomal recessive limb-girdle muscular dystrophy type 2Q (LGMDR17). Also called: MUSCULAR DYSTROPHY, LIMB-GIRDLE, AUTOSOMAL RECESSIVE 17. Identifiers: Orphanet 254361, MedGen C3150989, MONDO:0013390, OMIM 613723.
Epidermolysis bullosa simplex, Ogna type (EBS5A). Also called: Pidermolysis bullosa simplex 5A, Ogna type; EPIDERMOLYSIS BULLOSA SIMPLEX 5A, OGNA TYPE. Identifiers: Orphanet 79401, MedGen C0432317, MONDO:0007555, OMIM 131950.

Allele frequency attached by ClinVar (database versions not stated): TOPMed 0.00001; ExAC 0.00002; ESP Exome Variant Server 0.00008.
gnomAD v4.1: 26 of 1,596,502 alleles (0.0016%); highest among the groups gnomAD compares: South Asian, 0.0089%; no homozygotes.

Submission:

Labcorp Genetics (formerly Invitae), Labcorp
Classification: Uncertain significance for Autosomal recessive limb-girdle muscular dystrophy type 2Q; Epidermolysis bullosa simplex, Ogna type; Epidermolysis bullosa simplex with nail dystrophy; Epidermolysis bullosa simplex 5C, with pyloric atresia; Epidermolysis bullosa simplex 5B, with muscular dystrophy. Last evaluated: 2024-01-25. Review status: criteria provided, single submitter. Criteria: Invitae Variant Classification Sherloc (09022015). Collection method: clinical testing. Allele origin: germline.
Comment: This sequence change replaces arginine, which is basic and polar, with histidine, which is basic and polar, at codon 3159 of the PLEC protein (p.Arg3159His). The frequency data for this variant in the population databases is considered unreliable, as metrics indicate poor data quality at this position in the gnomAD database. This variant has not been reported in the literature in individuals affected with PLEC-related conditions. ClinVar contains an entry for this variant (Variation ID: 2065957). An algorithm developed to predict the effect of missense changes on protein structure and function (PolyPhen-2) suggests that this variant is likely to be disruptive. In summary, the available evidence is currently insufficient to determine the role of this variant in disease. Therefore, it has been classified as a Variant of Uncertain Significance.